The following is an entry in ClinVar:

ClinVar aggregate classification (germline): Uncertain significance (1 of 4 stars; one submission).

Conditions:
Autoimmune lymphoproliferative syndrome type 2A (ALPS2A). Also called: CASP10-Related Autoimmune Lymphoproliferative Syndrome; AUTOIMMUNE LYMPHOPROLIFERATIVE SYNDROME, TYPE IIA; Autoimmune lymphoproliferative syndrome type 2. Identifiers: Orphanet 3261, MedGen C1858968, MONDO:0011383, OMIM 603909.

gnomAD v4.1: 3 of 1,613,856 alleles (0.00019%); highest among the groups gnomAD compares: Non-Finnish European, 0.00025%; no homozygotes.

Submission:

Labcorp Genetics (formerly Invitae), Labcorp
Classification: Uncertain significance for Autoimmune lymphoproliferative syndrome type 2A. Last evaluated: 2026-01-26. Review status: criteria provided, single submitter. Criteria: Invitae Variant Classification Sherloc (09022015). Collection method: clinical testing. Allele origin: germline.
Comment: This sequence change replaces glycine, which is neutral and non-polar, with serine, which is neutral and polar, at codon 284 of the CASP10 protein (p.Gly284Ser). This variant is not present in population databases (gnomAD no frequency). This variant has not been reported in the literature in individuals affected with CASP10-related conditions. Invitae Evidence Modeling of protein sequence and biophysical properties (such as structural, functional, and spatial information, amino acid conservation, physicochemical variation, residue mobility, and thermodynamic stability) indicates that this missense variant is expected to disrupt CASP10 protein function with a positive predictive value of 80%. In summary, the available evidence is currently insufficient to determine the role of this variant in disease. Therefore, it has been classified as a Variant of Uncertain Significance.

NM_032977.4(CASP10):c.850G>A (p.Gly284Ser)

Gene: CASP10 (caspase 10; plus strand). Cytogenetic location: 2q33.1.
Variant type: single nucleotide variant.
Coding change: c.850G>A on transcript NM_032977.4 (MANE Select); coding-DNA position 850, G replaced by A.
Protein change: p.Gly284Ser; replaces glycine 284 with serine.
Molecular consequence: missense variant. On other transcripts: intron variant (1).
Genome position (GRCh38, 1-based): chr2:201,208,111, G>A. VCF-style: chr2-201208111-G-A. GRCh37 (hg19) VCF-style: chr2-202072834-G-A.
Other names: c.721G>A, p.Gly241Ser (NM_001206542.2, NM_001230.5); c.850G>A, p.Gly284Ser (NM_032974.5); c.758G>A, p.Arg253Lys (NM_032976.4); c.722-959G>A (NM_001206524.2); short protein forms R253K, G284S, G241S.
Identifiers: ClinVar variation 4793463 (VCV004793463.1).